The following is an entry in ClinVar:

ClinVar aggregate classification (germline): Uncertain significance (1 of 4 stars; one submission).

Allele frequency attached by ClinVar (database versions not stated): TOPMed 0.00004; gnomAD 0.00001; gnomAD exomes 0.00002.
gnomAD v4.1: 7 of 1,608,028 alleles (0.00044%); highest among the groups gnomAD compares: Admixed American, 0.01%; no homozygotes.

Submission:

Labcorp Genetics (formerly Invitae), Labcorp
Classification: Uncertain significance. Last evaluated: 2022-07-22. Review status: criteria provided, single submitter. Criteria: Invitae Variant Classification Sherloc (09022015). Collection method: clinical testing. Allele origin: germline.
Comment: Algorithms developed to predict the effect of missense changes on protein structure and function (SIFT, PolyPhen-2, Align-GVGD) all suggest that this variant is likely to be disruptive. ClinVar contains an entry for this variant (Variation ID: 1398090). This variant has not been reported in the literature in individuals affected with PEX11B-related conditions. This variant is present in population databases (no rsID available, gnomAD 0.01%). This sequence change replaces glutamic acid, which is acidic and polar, with glycine, which is neutral and non-polar, at codon 49 of the PEX11B protein (p.Glu49Gly). In summary, the available evidence is currently insufficient to determine the role of this variant in disease. Therefore, it has been classified as a Variant of Uncertain Significance.

NM_003846.3(PEX11B):c.146A>G (p.Glu49Gly)

Gene: PEX11B (peroxisomal biogenesis factor 11 beta; minus strand). Cytogenetic location: 1q21.1.
Variant type: single nucleotide variant.
Coding change: c.146A>G on transcript NM_003846.3 (MANE Select); coding-DNA position 146, A replaced by G.
Protein change: p.Glu49Gly; replaces glutamic acid 49 with glycine.
Molecular consequence: missense variant. On other transcripts: non-coding transcript variant (3).
Genome position (GRCh38, 1-based): chr1:145,917,727, T>C on the plus strand (A>G on the coding strand, the complement: PEX11B is on the minus strand). VCF-style: chr1-145917727-T-C. GRCh37 (hg19) VCF-style: chr1-145517362-A-G.
Other names: c.104A>G, p.Glu35Gly (NM_001184795.1); short protein forms E35G, E49G.
Identifiers: ClinVar variation 1398090 (VCV001398090.6), dbSNP rs1243812324, ClinGen allele CA342124102.
Genomic context (GRCh38, chr1:145,917,727, plus strand): 5'-GTTGGGGGATAAAAGGAAAGACAGAGTTACTTACGCTTTCTTCCAAGGCTCAGGTGGCTC[T>C]CCAGTTGTCGAATCTGTTTCTGTAACTCAGGACTGGCTCCATGCCTCTGCAGCGCATGGC-3'
Protein context (NP_003837.1, residues 39-59): PELQKQIRQL[Glu49Gly]SHLSLGRKLL